The following is an entry in ClinVar:

NM_000722.4(CACNA2D1):c.2332T>G (p.Ser778Ala)

Gene: CACNA2D1 (calcium voltage-gated channel auxiliary subunit alpha2delta 1; minus strand). Cytogenetic location: 7q21.11.
Variant type: single nucleotide variant.
Coding change: c.2332T>G on transcript NM_000722.4 (MANE Select); coding-DNA position 2332, T replaced by G.
Protein change: p.Ser778Ala; replaces serine 778 with alanine.
Molecular consequence: missense variant.
Genome position (GRCh38, 1-based): chr7:81,968,950, A>C on the plus strand (T>G on the coding strand, the complement: CACNA2D1 is on the minus strand). VCF-style: chr7-81968950-A-C. GRCh37 (hg19) VCF-style: chr7-81598266-A-C.
Other names: c.2368T>G, p.Ser790Ala (NM_001366867.1); short protein forms S778A, S790A.
Identifiers: ClinVar variation 1789745 (VCV001789745.5), dbSNP rs1409507624, ClinGen allele CA367890174.

ClinVar aggregate classification (germline): Uncertain significance. Review status: criteria provided, multiple submitters, no conflicts (2 of 4 stars). 2 submissions from 2 submitters: Uncertain significance (2). Last evaluated 2025-02-26.

Conditions:
Cardiovascular phenotype. Identifiers: MedGen CN230736.
Brugada syndrome. Also called: Sudden unexpected nocturnal death syndrome; Sudden unexplained nocturnal death syndrome; Sudden Unexplained Death Syndrome; Sudden Unexplained Nocturnal Death Syndrome (SUNDS). Identifiers: Orphanet 130, MedGen C1142166, MONDO:0015263.

Allele frequency attached by ClinVar (database versions not stated): gnomAD 0.00002; gnomAD exomes 0.00003; TOPMed 0.00001.
gnomAD v4.1: 46 of 1,589,990 alleles (0.0029%); highest among the groups gnomAD compares: Non-Finnish European, 0.0038%; no homozygotes.

Submissions (2):

Labcorp Genetics (formerly Invitae), Labcorp
Classification: Uncertain significance for Brugada syndrome. Last evaluated: 2025-02-26. Review status: criteria provided, single submitter. Criteria: Invitae Variant Classification Sherloc (09022015). Collection method: clinical testing. Allele origin: germline.
Comment: This sequence change replaces serine, which is neutral and polar, with alanine, which is neutral and non-polar, at codon 778 of the CACNA2D1 protein (p.Ser778Ala). This variant is present in population databases (no rsID available, gnomAD 0.01%). This variant has not been reported in the literature in individuals affected with CACNA2D1-related conditions. ClinVar contains an entry for this variant (Variation ID: 1789745). An algorithm developed to predict the effect of missense changes on protein structure and function (PolyPhen-2) suggests that this variant is likely to be tolerated. In summary, the available evidence is currently insufficient to determine the role of this variant in disease. Therefore, it has been classified as a Variant of Uncertain Significance.

Ambry Genetics
Classification: Uncertain significance for Cardiovascular phenotype. Last evaluated: 2024-04-30. Review status: criteria provided, single submitter. Criteria: Ambry Variant Classification Scheme 2023. Collection method: clinical testing. Allele origin: germline.
Comment: The p.S778A variant (also known as c.2332T>G), located in coding exon 29 of the CACNA2D1 gene, results from a T to G substitution at nucleotide position 2332. The serine at codon 778 is replaced by alanine, an amino acid with similar properties. This amino acid position is highly conserved in available vertebrate species. In addition, this alteration is predicted to be tolerated by in silico analysis. The evidence for this gene-disease relationship is limited; therefore, the clinical significance of this alteration is unclear.